The following is an entry in ClinVar:

ClinVar aggregate classification (germline): Uncertain significance (1 of 4 stars; one submission).

Submission:

Labcorp Genetics (formerly Invitae), Labcorp
Classification: Uncertain significance. Last evaluated: 2023-05-16. Review status: criteria provided, single submitter. Criteria: Invitae Variant Classification Sherloc (09022015). Collection method: clinical testing. Allele origin: germline.
Comment: This variant is not present in population databases (gnomAD no frequency). In summary, the available evidence is currently insufficient to determine the role of this variant in disease. Therefore, it has been classified as a Variant of Uncertain Significance. Advanced modeling of protein sequence and biophysical properties (such as structural, functional, and spatial information, amino acid conservation, physicochemical variation, residue mobility, and thermodynamic stability) performed at Invitae indicates that this missense variant is not expected to disrupt NYX protein function. This variant has not been reported in the literature in individuals affected with NYX-related conditions. This sequence change replaces aspartic acid, which is acidic and polar, with histidine, which is basic and polar, at codon 68 of the NYX protein (p.Asp68His).

NM_001378477.3(NYX):c.187G>C (p.Asp63His)

Gene: NYX (nyctalopin; plus strand). Cytogenetic location: Xp11.4.
Variant type: single nucleotide variant.
Coding change: c.187G>C on transcript NM_001378477.3 (MANE Select); coding-DNA position 187, G replaced by C.
Protein change: p.Asp63His; replaces aspartic acid 63 with histidine.
Molecular consequence: missense variant.
Genome position (GRCh38, 1-based): chrX:41,473,655, G>C. VCF-style: chrX-41473655-G-C. GRCh37 (hg19) VCF-style: chrX-41332908-G-C.
Other names: c.187G>C, p.Asp63His (NM_022567.3); short protein forms D63H.
Identifiers: ClinVar variation 2880059 (VCV002880059.3), dbSNP rs1315626206, ClinGen allele CA412989584.
Genomic context (GRCh38, chrX:41,473,655, plus strand): 5'-TGCGACCGCGCGGGCCTCCTGCGGGTGCCGGCCGAGCTCCCGTGCGAGGCGGTCTCCATC[G>C]ACCTGGACCGGAACGGCCTGCGCTTCCTGGGCGAGCGAGCCTTCGGCACGCTGCCGTCCT-3'
Protein context (NP_001365406.2, residues 53-73): AELPCEAVSI[Asp63His]LDRNGLRFLG